The following is an entry in ClinVar:

NM_024741.3(ZNF408):c.2119C>T (p.Leu707Phe)

Gene: ZNF408 (zinc finger protein 408; plus strand). Cytogenetic location: 11p11.2.
Variant type: single nucleotide variant.
Coding change: c.2119C>T on transcript NM_024741.3 (MANE Select); coding-DNA position 2119, C replaced by T.
Protein change: p.Leu707Phe; replaces leucine 707 with phenylalanine.
Molecular consequence: missense variant.
Genome position (GRCh38, 1-based): chr11:46,705,819, C>T. VCF-style: chr11-46705819-C-T. GRCh37 (hg19) VCF-style: chr11-46727369-C-T.
Other names: c.2095C>T, p.Leu699Phe (NM_001184751.2); short protein forms L699F, L707F.
Identifiers: ClinVar variation 849219 (VCV000849219.9), dbSNP rs1295641179, ClinGen allele CA380258229.

ClinVar aggregate classification (germline): Uncertain significance (1 of 4 stars; one submission).

Allele frequency attached by ClinVar (database versions not stated): gnomAD 0.00001; TOPMed 0.00001.
gnomAD v4.1: 1 of 1,612,574 alleles (0.000062%); highest among the groups gnomAD compares: African/African-American, 0.0013%; no homozygotes.

Submission:

Labcorp Genetics (formerly Invitae), Labcorp
Classification: Uncertain significance. Last evaluated: 2022-07-06. Review status: criteria provided, single submitter. Criteria: Invitae Variant Classification Sherloc (09022015). Collection method: clinical testing. Allele origin: germline.
Comment: In summary, the available evidence is currently insufficient to determine the role of this variant in disease. Therefore, it has been classified as a Variant of Uncertain Significance. Algorithms developed to predict the effect of missense changes on protein structure and function output the following: SIFT: "Tolerated"; PolyPhen-2: "Benign"; Align-GVGD: "Class C0". The phenylalanine amino acid residue is found in multiple mammalian species, which suggests that this missense change does not adversely affect protein function. ClinVar contains an entry for this variant (Variation ID: 849219). This variant has not been reported in the literature in individuals affected with ZNF408-related conditions. This variant is not present in population databases (gnomAD no frequency). This sequence change replaces leucine, which is neutral and non-polar, with phenylalanine, which is neutral and non-polar, at codon 707 of the ZNF408 protein (p.Leu707Phe).